The following is an entry in ClinVar:

ClinVar aggregate classification (germline): Uncertain significance (1 of 4 stars; one submission).

Conditions:
Developmental and epileptic encephalopathy, 53. Also called: Epileptic encephalopathy, early infantile, 53. Identifiers: MedGen C4479313, MONDO:0033362, OMIM 617389.
Early-onset Parkinson disease 20. Also called: PARKINSON DISEASE 20, AUTOSOMAL RECESSIVE EARLY-ONSET. Identifiers: Orphanet 391411, MedGen C3809824, MONDO:0014233, OMIM 615530.

Submission:

Labcorp Genetics (formerly Invitae), Labcorp
Classification: Uncertain significance for Developmental and epileptic encephalopathy, 53; Early-onset Parkinson disease 20. Last evaluated: 2020-01-30. Review status: criteria provided, single submitter. Criteria: Invitae Variant Classification Sherloc (09022015). Collection method: clinical testing. Allele origin: germline.
Comment: In summary, the available evidence is currently insufficient to determine the role of this variant in disease. Therefore, it has been classified as a Variant of Uncertain Significance. Algorithms developed to predict the effect of missense changes on protein structure and function are either unavailable or do not agree on the potential impact of this missense change (SIFT: "Tolerated"; PolyPhen-2: "Possibly Damaging"; Align-GVGD: "Class C0"). This variant has not been reported in the literature in individuals with SYNJ1-related conditions. This variant is not present in population databases (ExAC no frequency). This sequence change replaces leucine with phenylalanine at codon 827 of the SYNJ1 protein (p.Leu827Phe). The leucine residue is highly conserved and there is a small physicochemical difference between leucine and phenylalanine.

NM_203446.3(SYNJ1):c.2364G>C (p.Leu788Phe)

Gene: SYNJ1 (synaptojanin 1; minus strand). Cytogenetic location: 21q22.11.
Variant type: single nucleotide variant.
Coding change: c.2364G>C on transcript NM_203446.3 (MANE Select); coding-DNA position 2364, G replaced by C.
Protein change: p.Leu788Phe; replaces leucine 788 with phenylalanine.
Molecular consequence: missense variant.
Genome position (GRCh38, 1-based): chr21:32,657,813, C>G on the plus strand (G>C on the coding strand, the complement: SYNJ1 is on the minus strand). VCF-style: chr21-32657813-C-G. GRCh37 (hg19) VCF-style: chr21-34030123-C-G.
Other names: c.2364G>C, p.Leu788Phe (NM_001160302.2); c.2349G>C, p.Leu783Phe (NM_001160306.2); c.2481G>C, p.Leu827Phe (NM_003895.4); short protein forms L783F, L788F, L827F.
Identifiers: ClinVar variation 838918 (VCV000838918.10), dbSNP rs2040517909, ClinGen allele CA410075490.